The following is an entry in ClinVar:

NM_001330260.2(SCN8A):c.1482G>T (p.Arg494Ser)

Gene: SCN8A (sodium voltage-gated channel alpha subunit 8; plus strand). Cytogenetic location: 12q13.13.
Variant type: single nucleotide variant.
Coding change: c.1482G>T on transcript NM_001330260.2 (MANE Select); coding-DNA position 1482, G replaced by T.
Protein change: p.Arg494Ser; replaces arginine 494 with serine.
Molecular consequence: missense variant.
Genome position (GRCh38, 1-based): chr12:51,706,562, G>T. VCF-style: chr12-51706562-G-T. GRCh37 (hg19) VCF-style: chr12-52100346-G-T.
Other names: c.1482G>T, p.Arg494Ser (NM_001177984.3, NM_001369788.1, NM_014191.4); short protein forms R494S.
Identifiers: ClinVar variation 4529592 (VCV004529592.1).
Genomic context (GRCh38, chr12:51,706,562, plus strand): 5'-TCGGAGCTCTTCTGAAATCTCTAAACTCAGCTCAAAGAGTGCAAAGGAAAGACGTAACAG[G>T]AGAAAGAAGAGGAAGCAAAAGGAACTCTCTGAAGGAGAGGAGAAAGGGGATCCCGAGAAG-3'
Protein context (NP_001317189.1, residues 484-504): SSKSAKERRN[Arg494Ser]RKKRKQKELS

ClinVar aggregate classification (germline): Uncertain significance (1 of 4 stars; one submission).

Submission:

GeneDx
Classification: Uncertain significance. Last evaluated: 2025-05-14. Review status: criteria provided, single submitter. Criteria: GeneDx Variant Classification Process June 2021. Collection method: clinical testing. Allele origin: germline. Affected: yes.
Comment: Not observed at significant frequency in large population cohorts (gnomAD); In silico analysis supports that this missense variant has a deleterious effect on protein structure/function; Has not been previously published as pathogenic or benign to our knowledge; This substitution is predicted to be within the cytoplasmic loop between the first and second homologous domains